The following is an entry in ClinVar:

ClinVar aggregate classification (germline): Conflicting classifications of pathogenicity. Review status: criteria provided, conflicting classifications (1 of 4 stars). 2 submissions from 2 submitters: Uncertain significance (1); Likely benign (1). Last evaluated 2026-06-18.

Conditions:
MYH10-related disorder. Also called: MYH10-related condition.

gnomAD v4.1: 1,614 of 1,613,646 alleles (0.1%); highest among the groups gnomAD compares: Non-Finnish European, 0.13%; 1 homozygote.

Submissions (2):

PreventionGenetics, part of Exact Sciences
Classification: Uncertain significance for MYH10-related condition. Last evaluated: 2026-06-18. Review status: criteria provided, single submitter. Criteria: ACMG Guidelines, 2015. Collection method: clinical testing. Allele origin: germline.
Comment: The MYH10 c.4195G>T variant is predicted to result in the amino acid substitution p.Ala1399Ser. To our knowledge, this variant has not been reported in the literature. This variant is reported in 0.11% of alleles in individuals of European (Non-Finnish) descent in gnomAD. Although we suspect that this variant may be benign, at this time, the clinical significance of this variant is uncertain due to the absence of conclusive functional and genetic evidence.

Blueprint Genetics
Classification: Likely benign. Last evaluated: 2024-11-20. Review status: criteria provided, single submitter. Criteria: ACMG Guidelines, 2015. Collection method: clinical testing. Allele origin: germline.

NM_001256012.3(MYH10):c.4195G>T (p.Ala1399Ser)

Gene: MYH10 (myosin heavy chain 10; minus strand). Cytogenetic location: 17p13.1.
Variant type: single nucleotide variant.
Coding change: c.4195G>T on transcript NM_001256012.3 (MANE Select); coding-DNA position 4195, G replaced by T.
Protein change: p.Ala1399Ser; replaces alanine 1399 with serine.
Molecular consequence: missense variant.
Genome position (GRCh38, 1-based): chr17:8,493,747, C>A on the plus strand (G>T on the coding strand, the complement: MYH10 is on the minus strand). VCF-style: chr17-8493747-C-A. GRCh37 (hg19) VCF-style: chr17-8397065-C-A.
Other names: c.4195G>T (NM_001256012.1); c.4129G>T, p.Ala1377Ser (NM_001256095.2); c.4132G>T, p.Ala1378Ser (NM_001375266.1); c.4102G>T, p.Ala1368Ser (NM_005964.5); short protein forms A1368S, A1399S, A1378S, A1377S.
Identifiers: ClinVar variation 4933715 (VCV004933715.2).